The following is an entry in ClinVar:

ClinVar aggregate classification (germline): Uncertain significance. Review status: criteria provided, multiple submitters, no conflicts (2 of 4 stars). 2 submissions from 2 submitters: Uncertain significance (2). Last evaluated 2024-11-15.

Conditions:
Inborn genetic diseases. Identifiers: MedGen C0950123, MeSH D030342.
Amelocerebrohypohidrotic syndrome (KTZS). Also called: Kohlschutter's syndrome; KOHLSCHUTTER SYNDROME; EPILEPSY AND YELLOW TEETH; EPILEPSY, DEMENTIA, AND AMELOGENESIS IMPERFECTA. Identifiers: Orphanet 1946, MedGen C0406740, MONDO:0009185, OMIM 226750.

Allele frequency attached by ClinVar (database versions not stated): TOPMed below 0.00001; gnomAD exomes 0.00001.
gnomAD v4.1: 13 of 1,613,368 alleles (0.00081%); highest among the groups gnomAD compares: Non-Finnish European, 0.0011%; no homozygotes.

Submissions (2):

Ambry Genetics
Classification: Uncertain significance for Inborn genetic diseases. Last evaluated: 2024-11-15. Review status: criteria provided, single submitter. Criteria: Ambry Variant Classification Scheme 2023. Collection method: clinical testing. Allele origin: germline.

Labcorp Genetics (formerly Invitae), Labcorp
Classification: Uncertain significance for Amelocerebrohypohidrotic syndrome. Last evaluated: 2023-11-27. Review status: criteria provided, single submitter. Criteria: Invitae Variant Classification Sherloc (09022015). Collection method: clinical testing. Allele origin: germline.
Comment: This sequence change replaces valine, which is neutral and non-polar, with glutamic acid, which is acidic and polar, at codon 247 of the ROGDI protein (p.Val247Glu). This variant is present in population databases (no rsID available, gnomAD 0.002%). This variant has not been reported in the literature in individuals affected with ROGDI-related conditions. ClinVar contains an entry for this variant (Variation ID: 1479342). An algorithm developed to predict the effect of missense changes on protein structure and function (PolyPhen-2) suggests that this variant is likely to be disruptive. In summary, the available evidence is currently insufficient to determine the role of this variant in disease. Therefore, it has been classified as a Variant of Uncertain Significance.

NM_024589.3(ROGDI):c.740T>A (p.Val247Glu)

Gene: ROGDI (rogdi atypical leucine zipper; minus strand). Cytogenetic location: 16p13.3.
Variant type: single nucleotide variant.
Coding change: c.740T>A on transcript NM_024589.3 (MANE Select); coding-DNA position 740, T replaced by A.
Protein change: p.Val247Glu; replaces valine 247 with glutamic acid.
Molecular consequence: missense variant. On other transcripts: non-coding transcript variant (1).
Genome position (GRCh38, 1-based): chr16:4,797,796, A>T on the plus strand (T>A on the coding strand, the complement: ROGDI is on the minus strand). VCF-style: chr16-4797796-A-T. GRCh37 (hg19) VCF-style: chr16-4847797-A-T.
Other names: c.740T>A (NM_024589.1); short protein forms V247E.
Identifiers: ClinVar variation 1479342 (VCV001479342.5), dbSNP rs1319338750, ClinGen allele CA394648874.